The following is an entry in ClinVar:

NM_001165963.4(SCN1A):c.2345C>T (p.Thr782Ile)

Gene: SCN1A (sodium voltage-gated channel alpha subunit 1; minus strand). Cytogenetic location: 2q24.3.
Variant type: single nucleotide variant.
Coding change: c.2345C>T on transcript NM_001165963.4 (MANE Select); coding-DNA position 2345, C replaced by T.
Protein change: p.Thr782Ile; replaces threonine 782 with isoleucine.
Molecular consequence: missense variant. On other transcripts: 5 prime UTR variant (1), non-coding transcript variant (1).
Genome position (GRCh38, 1-based): chr2:166,041,301, G>A on the plus strand (C>T on the coding strand, the complement: SCN1A is on the minus strand). VCF-style: chr2-166041301-G-A. GRCh37 (hg19) VCF-style: chr2-166897811-G-A.
Other names: c.2261C>T, p.Thr754Ile (NM_001165964.3, NM_001353957.2, NM_001353958.2); c.2345C>T, p.Thr782Ile (NM_001202435.3, NM_001353948.2); c.2312C>T, p.Thr771Ile (NM_001353949.2, NM_001353950.2, NM_001353951.2 and 2 more transcripts); c.2309C>T, p.Thr770Ile (NM_001353954.2, NM_001353955.2); c.2258C>T, p.Thr753Ile (NM_001353960.2); c.-114C>T (NM_001353961.2); short protein forms T753I, T754I, T770I, T771I, T782I.
Identifiers: ClinVar variation 1701394 (VCV001701394.32), dbSNP rs2105827881, ClinGen allele CA349064114.

ClinVar aggregate classification (germline): Likely pathogenic. Review status: criteria provided, multiple submitters, no conflicts (2 of 4 stars). 2 submissions from 2 submitters: Likely pathogenic (2). Last evaluated 2021-04-01.

Conditions:
Developmental and epileptic encephalopathy 6B. Also called: Developmental and epileptic encephalopathy 6B, non-Dravet. Identifiers: MedGen C5543353, MONDO:0030268, OMIM 619317.

Submissions (2):

CeGaT Center for Human Genetics Tuebingen
Classification: Likely pathogenic. Last evaluated: 2021-04-01. Review status: criteria provided, single submitter. Criteria: CeGaT Center For Human Genetics Tuebingen Variant Classification Criteria Version 2. Collection method: clinical testing. Allele origin: germline. Affected: yes. Observed: 1 variant allele.

Clinical Biomedical Laboratory, Shriners Hospital For Children - Canada
Classification: Likely pathogenic for Developmental and epileptic encephalopathy 6B. Review status: criteria provided, single submitter. Criteria: ACMG Guidelines, 2015. Collection method: clinical testing. Allele origin: germline. Affected: yes.
Comment: Variants in this gene are a known cause of severe neurological conditions. The variant is not found in the gnomAD database and the amino acid change caused by this variant is predicted to be damaging to protein function (REVEL 0.95). The variant has been reported in the literature as a cause of developmental and degenerative epileptic dyskinetic encephalopathy (PMID 34755109).

Literature cited by the submitters: PubMed 34755109 (cited by Clinical Biomedical Laboratory, Shriners Hospital For Children - Canada).